The following is an entry in ClinVar:

ClinVar aggregate classification (germline): Uncertain significance (1 of 4 stars; one submission).

Conditions:
Primary ciliary dyskinesia. Also called: Ciliary dyskinesia. Identifiers: Orphanet 244, MedGen C0008780, MONDO:0016575, HP:0012265.

Submission:

Ambry Genetics
Classification: Uncertain significance for Primary ciliary dyskinesia. Last evaluated: 2024-09-11. Review status: criteria provided, single submitter. Criteria: Ambry Variant Classification Scheme 2023. Collection method: clinical testing. Allele origin: germline.
Comment: The p.V69E variant (also known as c.206T>A), located in coding exon 3 of the CCDC40 gene, results from a T to A substitution at nucleotide position 206. The valine at codon 69 is replaced by glutamic acid, an amino acid with dissimilar properties. This amino acid position is conserved. In addition, this alteration is predicted to be tolerated by in silico analysis. Based on the available evidence, the clinical significance of this variant remains unclear.

NM_017950.4(CCDC40):c.206T>A (p.Val69Glu)

Gene: CCDC40 (coiled-coil domain 40 molecular ruler complex subunit; plus strand). Cytogenetic location: 17q25.3.
Variant type: single nucleotide variant.
Coding change: c.206T>A on transcript NM_017950.4 (MANE Select); coding-DNA position 206, T replaced by A.
Protein change: p.Val69Glu; replaces valine 69 with glutamic acid.
Molecular consequence: missense variant.
Genome position (GRCh38, 1-based): chr17:80,039,924, T>A. VCF-style: chr17-80039924-T-A. GRCh37 (hg19) VCF-style: chr17-78013723-T-A.
Other names: c.206T>A, p.Val69Glu (NM_001243342.2, NM_001330508.2); short protein forms V69E.
Identifiers: ClinVar variation 3486705 (VCV003486705.1).